The following is an entry in ClinVar:

ClinVar aggregate classification (germline): Uncertain significance (1 of 4 stars; one submission).

Submission:

Ambry Genetics
Classification: Uncertain significance. Last evaluated: 2025-09-12. Review status: criteria provided, single submitter. Criteria: Ambry Variant Classification Scheme 2023. Collection method: clinical testing. Allele origin: germline.
Comment: The p.R70K variant (also known as c.209G>A), located in coding exon 2 of the PKP4 gene, results from a G to A substitution at nucleotide position 209. The arginine at codon 70 is replaced by lysine, an amino acid with highly similar properties. This amino acid position is conserved. In addition, this alteration is predicted to be tolerated by in silico analysis. Based on the available evidence, the clinical significance of this variant remains unclear.

NM_003628.6(PKP4):c.209G>A (p.Arg70Lys)

Gene: PKP4 (plakophilin 4; plus strand). Cytogenetic location: 2q24.1.
Variant type: single nucleotide variant.
Coding change: c.209G>A on transcript NM_003628.6 (MANE Select); coding-DNA position 209, G replaced by A.
Protein change: p.Arg70Lys; replaces arginine 70 with lysine.
Molecular consequence: missense variant. On other transcripts: 5 prime UTR variant (1).
Genome position (GRCh38, 1-based): chr2:158,577,347, G>A. VCF-style: chr2-158577347-G-A. GRCh37 (hg19) VCF-style: chr2-159433859-G-A.
Other names: c.209G>A, p.Arg70Lys (NM_001005476.4, NM_001304969.3, NM_001304971.2 and 9 more transcripts); c.-741G>A (NM_001304970.3); short protein forms R70K.
Identifiers: ClinVar variation 3419645 (VCV003419645.2).